The following is an entry in ClinVar:

NM_016373.4(WWOX):c.374A>G (p.Lys125Arg)

Gene: WWOX (WW domain containing oxidoreductase; plus strand). Cytogenetic location: 16q23.1.
Variant type: single nucleotide variant.
Coding change: c.374A>G on transcript NM_016373.4 (MANE Select); coding-DNA position 374, A replaced by G.
Protein change: p.Lys125Arg; replaces lysine 125 with arginine.
Molecular consequence: missense variant. On other transcripts: non-coding transcript variant (1).
Genome position (GRCh38, 1-based): chr16:78,115,119, A>G. VCF-style: chr16-78115119-A-G. GRCh37 (hg19) VCF-style: chr16-78149016-A-G.
Other names: c.35A>G, p.Lys12Arg (NM_001291997.2); c.374A>G, p.Lys125Arg (NM_130791.5); short protein forms K125R, K12R.
Identifiers: ClinVar variation 2936367 (VCV002936367.3), dbSNP rs1171053317, ClinGen allele CA396842572.
Genomic context (GRCh38, chr16:78,115,119, plus strand): 5'-AAAGATACGACGGCAGCACCACTGCCATGGAAATTCTCCAGGGCCGGGATTTCACTGGCA[A>G]AGTGGTTGTGGTCACTGGAGCTAATTCAGGAATAGGTAGGCTCTTCACTTAGTTATTTAT-3'
Protein context (NP_057457.1, residues 115-135): EILQGRDFTG[Lys125Arg]VVVVTGANSG

ClinVar aggregate classification (germline): Uncertain significance (1 of 4 stars; one submission).

Conditions:
Autosomal recessive spinocerebellar ataxia 12. Also called: SPINOCEREBELLAR ATAXIA WITH MENTAL RETARDATION AND EPILEPSY. Identifiers: Orphanet 284282, MedGen C3280452, MONDO:0013687, OMIM 614322.
Developmental and epileptic encephalopathy, 1 (DEE1). Also called: INFANTILE SPASM SYNDROME, X-LINKED 1; Epileptic encephalopathy, early infantile, 1; X-linked infantile spasms; West's syndrome; Tonic spasms with clustering, arrest of psychomotor development and hypsarrhythmia on EEG; X-Linked Infantile Spasm Syndrome. Identifiers: MedGen C3463992, MONDO:0010632, OMIM 308350. Disease mechanism: loss of function.

Submission:

Labcorp Genetics (formerly Invitae), Labcorp
Classification: Uncertain significance for Developmental and epileptic encephalopathy, 1; Autosomal recessive spinocerebellar ataxia 12. Last evaluated: 2022-10-21. Review status: criteria provided, single submitter. Criteria: Invitae Variant Classification Sherloc (09022015). Collection method: clinical testing. Allele origin: germline.
Comment: This variant is not present in population databases (gnomAD no frequency). This variant has not been reported in the literature in individuals affected with WWOX-related conditions. Advanced modeling of protein sequence and biophysical properties (such as structural, functional, and spatial information, amino acid conservation, physicochemical variation, residue mobility, and thermodynamic stability) performed at Invitae indicates that this missense variant is not expected to disrupt WWOX protein function. In summary, the available evidence is currently insufficient to determine the role of this variant in disease. Therefore, it has been classified as a Variant of Uncertain Significance. This sequence change replaces lysine, which is basic and polar, with arginine, which is basic and polar, at codon 125 of the WWOX protein (p.Lys125Arg).